The following is an entry in ClinVar:

NM_002471.4(MYH6):c.2882T>C (p.Leu961Pro)

Gene: MYH6 (myosin heavy chain 6; minus strand). Cytogenetic location: 14q11.2.
Variant type: single nucleotide variant.
Coding change: c.2882T>C on transcript NM_002471.4 (MANE Select); coding-DNA position 2882, T replaced by C.
Protein change: p.Leu961Pro; replaces leucine 961 with proline.
Molecular consequence: missense variant.
Genome position (GRCh38, 1-based): chr14:23,393,712, A>G on the plus strand (T>C on the coding strand, the complement: MYH6 is on the minus strand). VCF-style: chr14-23393712-A-G. GRCh37 (hg19) VCF-style: chr14-23862921-A-G.
Other names: short protein forms L961P.
Identifiers: ClinVar variation 4082610 (VCV004082610.1).
Genomic context (GRCh38, chr14:23,393,712, plus strand): 5'-GGAGCTGCCCTCACCTTGTTCTCTGTTGCATGCTTCTCCTTCTCCACCTTGGCCAGTGTC[A>G]GCTCCAGGTCATCAATGTCCTTCTTGAGCTCTGAGCACTCGTCTTCCAGCTTGCGCTTCT-3'
Protein context (NP_002462.2, residues 951-971): ELKKDIDDLE[Leu961Pro]TLAKVEKEKH

ClinVar aggregate classification (germline): Uncertain significance (1 of 4 stars; one submission).

Submission:

GeneDx
Classification: Uncertain significance. Last evaluated: 2025-03-04. Review status: criteria provided, single submitter. Criteria: GeneDx Variant Classification Process June 2021. Collection method: clinical testing. Allele origin: germline. Affected: yes.
Comment: Not observed at significant frequency in large population cohorts (gnomAD); In silico analysis supports that this missense variant has a deleterious effect on protein structure/function; Has not been previously published as pathogenic or benign to our knowledge